The following is an entry in ClinVar:

NM_015662.3(IFT172):c.2536C>T (p.Arg846Ter)

Genes: IFT172 (intraflagellar transport 172; minus strand), LOC126806174 (CDK7 strongly-dependent group 2 enhancer GRCh37_chr2:27681686-27682885; plus strand). Cytogenetic location: 2p23.3.
Variant type: single nucleotide variant.
Coding change: c.2536C>T on transcript NM_015662.3 (MANE Select); coding-DNA position 2536, C replaced by T.
Protein change: p.Arg846Ter; replaces arginine 846 with a stop codon.
Molecular consequence: nonsense.
Genome position (GRCh38, 1-based): chr2:27,459,815, G>A on the plus strand (C>T on the coding strand, the complement: IFT172 is on the minus strand). VCF-style: chr2-27459815-G-A. GRCh37 (hg19) VCF-style: chr2-27682682-G-A.
Other names: short protein forms R846*.
Identifiers: ClinVar variation 1456416 (VCV001456416.7), dbSNP rs761095604, ClinGen allele CA1580254.

ClinVar aggregate classification (germline): Pathogenic/Likely pathogenic. Review status: criteria provided, multiple submitters, no conflicts (2 of 4 stars). 2 submissions from 2 submitters: Pathogenic (1); Likely pathogenic (1). Last evaluated 2023-10-05.

Conditions:
Retinitis pigmentosa 71 (RP71). Identifiers: Orphanet 791, MedGen C4225342, MONDO:0014618, OMIM 616394.
Bardet-Biedl syndrome 20. Identifiers: MedGen C4310707, MONDO:0023670, OMIM 619471, MONDO:0014926.
Short-rib thoracic dysplasia 10 with or without polydactyly (SRTD10). Identifiers: Orphanet 474, MedGen C3810175, MONDO:0014284, OMIM 615630.

Allele frequency attached by ClinVar (database versions not stated): gnomAD exomes below 0.00001 and 0.00001; TOPMed below 0.00001; ExAC 0.00001; gnomAD 0.00001 and 0.00002.
gnomAD v4.1: 7 of 1,611,818 alleles (0.00043%); highest among the groups gnomAD compares: South Asian, 0.0033%; no homozygotes.

Submissions (2):

Labcorp Genetics (formerly Invitae), Labcorp
Classification: Pathogenic for Retinitis pigmentosa 71; Short-rib thoracic dysplasia 10 with or without polydactyly. Last evaluated: 2023-10-05. Review status: criteria provided, single submitter. Criteria: Invitae Variant Classification Sherloc (09022015). Collection method: clinical testing. Allele origin: germline.
Comment: This sequence change creates a premature translational stop signal (p.Arg846*) in the IFT172 gene. It is expected to result in an absent or disrupted protein product. Loss-of-function variants in IFT172 are known to be pathogenic (PMID: 24140113). This variant is present in population databases (rs761095604, gnomAD 0.003%). This variant has not been reported in the literature in individuals affected with IFT172-related conditions. ClinVar contains an entry for this variant (Variation ID: 1456416). For these reasons, this variant has been classified as Pathogenic.

Fulgent Genetics
Classification: Likely pathogenic for Short-rib thoracic dysplasia 10 with or without polydactyly; Retinitis pigmentosa 71; Bardet-Biedl syndrome 20. Last evaluated: 2022-04-28. Review status: criteria provided, single submitter. Criteria: ACMG Guidelines, 2015. Collection method: clinical testing. Allele origin: unknown.

Literature cited by the submitters: PubMed 24140113 (cited by Labcorp Genetics (formerly Invitae), Labcorp).